The following is an entry in ClinVar:

NM_024665.7(TBL1XR1):c.172_173del (p.Gln58fs)

Gene: TBL1XR1 (TBL1X/Y related 1; minus strand). Cytogenetic location: 3q26.32.
Variant type: Deletion.
Coding change: c.172_173del on transcript NM_024665.7 (MANE Select); coding-DNA positions 172 to 173, 2 bases deleted (CA; older notation c.172_173delCA).
Protein change: p.Gln58fs; shifts the reading frame from glutamine 58.
Molecular consequence: frameshift variant. On other transcripts: 5 prime UTR variant (2).
Genome position (GRCh38, 1-based): chr3:177,053,804-177,053,805, TG deleted on the plus strand (CA on the coding strand, the reverse complement: TBL1XR1 is on the minus strand); deleting any 2 consecutive bases within chr3:177,053,804-177,053,806 gives the same sequence; the c. name uses the placement nearest the transcript's 3' end. VCF-style (leftmost placement, unchanged base first): chr3-177053803-CTG-C. GRCh37 (hg19) VCF-style: chr3-176771591-CTG-C.
Other names: c.172_173del, p.Gln58fs (NM_001321193.3, NM_001321194.3, NM_001374327.1 and 2 more transcripts); c.-90_-89del (NM_001321195.3, NM_001374330.1); short protein forms Q58fs.
Identifiers: ClinVar variation 1320182 (VCV001320182.1), dbSNP rs2108503904, ClinGen allele CA2573052121.

ClinVar aggregate classification (germline): Likely pathogenic (1 of 4 stars; one submission).

Conditions:
Pierpont syndrome (PRPTS). Identifiers: Orphanet 487825, MedGen C1865644, MONDO:0011213, OMIM 602342.

Submission:

3billion
Classification: Likely pathogenic for Pierpont syndrome. Last evaluated: 2021-10-02. Review status: criteria provided, single submitter. Criteria: ACMG Guidelines, 2015. Collection method: clinical testing. Allele origin: unknown. Affected: yes. Observed: 1 heterozygote.
Comment: Frameshift: predicted to result in a loss or disruption of normal protein function through nonsense-mediated decay (NMD) or protein truncation. Multiple pathogenic variants are reported downstream of the variant (PVS1_VS). It is not observed in the gnomAD v2.1.1 dataset (PM2). Therefore, this variant is classified as likely pathogenic according to the recommendation of ACMG/AMP guideline.